The following is an entry in ClinVar:

ClinVar aggregate classification (germline): Uncertain significance (1 of 4 stars; one submission).

Conditions:
Carney complex, type 1 (CNC1). Also called: CARNEY COMPLEX, TYPE I; CARNEY MYXOMA-ENDOCRINE COMPLEX. Identifiers: Orphanet 1359, MedGen C2607929, MONDO:0008057, OMIM 160980.

Submission:

Labcorp Genetics (formerly Invitae), Labcorp
Classification: Uncertain significance for Carney complex, type 1. Last evaluated: 2020-01-08. Review status: criteria provided, single submitter. Criteria: Invitae Variant Classification Sherloc (09022015). Collection method: clinical testing. Allele origin: germline.
Comment: In summary, the available evidence is currently insufficient to determine the role of this variant in disease. Therefore, it has been classified as a Variant of Uncertain Significance. Algorithms developed to predict the effect of missense changes on protein structure and function are either unavailable or do not agree on the potential impact of this missense change (SIFT: "Deleterious"; PolyPhen-2: "Possibly Damaging"; Align-GVGD: "Class C15"). This variant has not been reported in the literature in individuals with PRKAR1A-related conditions. This variant is not present in population databases (ExAC no frequency). This sequence change replaces threonine with isoleucine at codon 219 of the PRKAR1A protein (p.Thr219Ile). The threonine residue is highly conserved and there is a moderate physicochemical difference between threonine and isoleucine.

NM_002734.5(PRKAR1A):c.656C>T (p.Thr219Ile)

Gene: PRKAR1A (protein kinase cAMP-dependent type I regulatory subunit alpha; plus strand). Cytogenetic location: 17q24.2.
Variant type: single nucleotide variant.
Coding change: c.656C>T on transcript NM_002734.5 (MANE Select); coding-DNA position 656, C replaced by T.
Protein change: p.Thr219Ile; replaces threonine 219 with isoleucine.
Molecular consequence: missense variant.
Genome position (GRCh38, 1-based): chr17:68,525,860, C>T. VCF-style: chr17-68525860-C-T. GRCh37 (hg19) VCF-style: chr17-66522001-C-T.
Other names: c.656C>T, p.Thr219Ile (NM_001276289.2, NM_001276290.1, NM_001278433.2 and 4 more transcripts); short protein forms T219I.
Identifiers: ClinVar variation 1052658 (VCV001052658.9), dbSNP rs2143323460, ClinGen allele CA400753284.